The following is an entry in ClinVar:

ClinVar aggregate classification (germline): Uncertain significance. Review status: criteria provided, multiple submitters, no conflicts (2 of 4 stars). 3 submissions from 3 submitters: Uncertain significance (3). Last evaluated 2025-08-03.

Conditions:
Inborn genetic diseases. Identifiers: MedGen C0950123, MeSH D030342.

Allele frequency attached by ClinVar (database versions not stated): gnomAD exomes 0.00002 and 0.00004; ExAC 0.00005; ESP Exome Variant Server 0.00008; TOPMed 0.00008; gnomAD 0.00012; 1000 Genomes Project 30x 0.00016; 1000 Genomes Project 0.00020.
gnomAD v4.1: 60 of 1,613,500 alleles (0.0037%); highest among the groups gnomAD compares: African/African-American, 0.052%; no homozygotes.

Submissions (3):

Labcorp Genetics (formerly Invitae), Labcorp
Classification: Uncertain significance. Last evaluated: 2025-08-03. Review status: criteria provided, single submitter. Criteria: Invitae Variant Classification Sherloc (09022015). Collection method: clinical testing. Allele origin: germline.
Comment: This sequence change replaces glycine, which is neutral and non-polar, with serine, which is neutral and polar, at codon 1498 of the GPR179 protein (p.Gly1498Ser). This variant is present in population databases (rs149150751, gnomAD 0.05%). This variant has not been reported in the literature in individuals affected with GPR179-related conditions. ClinVar contains an entry for this variant (Variation ID: 1500208). An algorithm developed to predict the effect of missense changes on protein structure and function outputs the following: PolyPhen-2: "Benign". The serine amino acid residue is found in multiple mammalian species, which suggests that this missense change does not adversely affect protein function. In summary, the available evidence is currently insufficient to determine the role of this variant in disease. Therefore, it has been classified as a Variant of Uncertain Significance.

Ambry Genetics
Classification: Uncertain significance for Inborn genetic diseases. Last evaluated: 2024-05-08. Review status: criteria provided, single submitter. Criteria: Ambry Variant Classification Scheme 2023. Collection method: clinical testing. Allele origin: germline.

Blueprint Genetics
Classification: Uncertain significance. Last evaluated: 2021-02-03. Review status: criteria provided, single submitter. Criteria: ACMG Guidelines, 2015. Collection method: clinical testing. Allele origin: germline.

NM_001004334.4(GPR179):c.4492G>A (p.Gly1498Ser)

Gene: GPR179 (G protein-coupled receptor 179; minus strand). Cytogenetic location: 17q12.
Variant type: single nucleotide variant.
Coding change: c.4492G>A on transcript NM_001004334.4 (MANE Select); coding-DNA position 4492, G replaced by A.
Protein change: p.Gly1498Ser; replaces glycine 1498 with serine.
Molecular consequence: missense variant.
Genome position (GRCh38, 1-based): chr17:38,329,077, C>T on the plus strand (G>A on the coding strand, the complement: GPR179 is on the minus strand). VCF-style: chr17-38329077-C-T. GRCh37 (hg19) VCF-style: chr17-36484960-C-T.
Other names: c.4492G>A (NM_001004334.2); short protein forms G1498S.
Identifiers: ClinVar variation 1500208 (VCV001500208.8), dbSNP rs149150751, ClinGen allele CA290104114.